The following is an entry in ClinVar:

ClinVar aggregate classification (germline): Benign (1 of 4 stars; one submission).

Allele frequency attached by ClinVar (database versions not stated): 1000 Genomes Project 30x 0.11946; 1000 Genomes Project 0.12121; gnomAD 0.12033 and 0.12090; TOPMed 0.11569.
gnomAD v4.1: 18,399 of 152,084 alleles (12%); highest among the groups gnomAD compares: South Asian, 15%; 1,174 homozygotes.

Submissions (5):

GeneDx
Classification: Benign. Last evaluated: 2018-06-14. Review status: criteria provided, single submitter. Criteria: GeneDx Variant Classification (06012015). Collection method: clinical testing. Allele origin: germline. Affected: yes.
Comment: This variant is considered likely benign or benign based on one or more of the following criteria: it is a conservative change, it occurs at a poorly conserved position in the protein, it is predicted to be benign by multiple in silico algorithms, and/or has population frequency not consistent with disease.

Dr. Peter K. Rogan Lab, Western University
No classification provided (evidence only). Condition: Ovarian serous cystadenocarcinoma. Review status: no classification provided. Collection method: in vitro. Allele origin: not applicable. Functional consequence: retained intron. Not counted in ClinVar's aggregate classification.

Dr. Peter K. Rogan Lab, Western University
No classification provided (evidence only). Condition: Ovarian serous cystadenocarcinoma. Review status: no classification provided. Collection method: in vitro. Allele origin: not applicable. Functional consequence: retained intron. Not counted in ClinVar's aggregate classification.

Dr. Peter K. Rogan Lab, Western University
No classification provided (evidence only). Condition: Ovarian serous cystadenocarcinoma. Review status: no classification provided. Collection method: in vitro. Allele origin: not applicable. Functional consequence: retained intron. Not counted in ClinVar's aggregate classification.

Dr. Peter K. Rogan Lab, Western University
No classification provided (evidence only). Condition: Ovarian serous cystadenocarcinoma. Review status: no classification provided. Collection method: in vitro. Allele origin: not applicable. Functional consequence: retained intron. Not counted in ClinVar's aggregate classification.

NM_001035.3(RYR2):c.11403-266G>A

Gene: RYR2 (ryanodine receptor 2; plus strand). Cytogenetic location: 1q43.
Variant type: single nucleotide variant.
Coding change: c.11403-266G>A on transcript NM_001035.3 (MANE Select); 266 bases into the intron before coding-DNA position 11403, G replaced by A.
Molecular consequence: intron variant.
Genome position (GRCh38, 1-based): chr1:237,760,689, G>A. VCF-style: chr1-237760689-G-A. GRCh37 (hg19) VCF-style: chr1-237923989-G-A.
Other names: NC_000001.10:g.237923989G>A.
Identifiers: ClinVar variation 683798 (VCV000683798.2), dbSNP rs6699085, ClinGen allele CA15123316.